The following is an entry in ClinVar:

ClinVar aggregate classification (germline): Uncertain significance. Review status: criteria provided, multiple submitters, no conflicts (2 of 4 stars). 2 submissions from 2 submitters: Uncertain significance (2). Last evaluated 2025-04-17.

Conditions:
Catecholaminergic polymorphic ventricular tachycardia (CVPT). Also called: Catecholamine-induced polymorphic ventricular tachycardia. Identifiers: Orphanet 3286, MedGen C5574922, MONDO:0017990.

Allele frequency attached by ClinVar (database versions not stated): gnomAD exomes below 0.00001.
gnomAD v4.1: 1 of 1,420,972 alleles (0.00007%); highest among the groups gnomAD compares: South Asian, 0.0012%; no homozygotes.

Submissions (2):

GeneDx
Classification: Uncertain significance. Last evaluated: 2025-04-17. Review status: criteria provided, single submitter. Criteria: GeneDx Variant Classification Process June 2021. Collection method: clinical testing. Allele origin: germline. Affected: yes.
Comment: Not observed at significant frequency in large population cohorts (gnomAD); In silico analysis supports that this missense variant has a deleterious effect on protein structure/function; Has not been previously published as pathogenic or benign to our knowledge; Not located in one of the three hot-spot regions of the RYR2 gene, where the majority of pathogenic missense variants occur (PMID: 19926015); This variant is associated with the following publications: (PMID: 19926015)

All of Us Research Program, National Institutes of Health
Classification: Uncertain significance for Catecholaminergic polymorphic ventricular tachycardia. Last evaluated: 2023-02-10. Review status: criteria provided, single submitter. Criteria: ACMG Guidelines, 2015. Collection method: clinical testing. Allele origin: germline. Inheritance: Autosomal dominant inheritance. Observed: 1 variant allele, 1 heterozygote.
Comment: This study involves interpretation of variants in research participants for the purpose of population health screening. Participant phenotype was not available at the time of variant classification. Additional details can be found in publication PMID: 35346344, PMCID: PMC8962531

NM_001035.3(RYR2):c.1717G>A (p.Glu573Lys)

Gene: RYR2 (ryanodine receptor 2; plus strand). Cytogenetic location: 1q43.
Variant type: single nucleotide variant.
Coding change: c.1717G>A on transcript NM_001035.3 (MANE Select); coding-DNA position 1717, G replaced by A.
Protein change: p.Glu573Lys; replaces glutamic acid 573 with lysine.
Molecular consequence: missense variant.
Genome position (GRCh38, 1-based): chr1:237,491,814, G>A. VCF-style: chr1-237491814-G-A. GRCh37 (hg19) VCF-style: chr1-237655114-G-A.
Other names: c.1717G>A (NM_001035.2); short protein forms E573K.
Identifiers: ClinVar variation 3069419 (VCV003069419.2), dbSNP rs1187986865, ClinGen allele CA345387818.